The following is an entry in ClinVar:

NM_000277.3(PAH):c.384G>A (p.Leu128=)

Gene: PAH (phenylalanine hydroxylase; minus strand). Cytogenetic location: 12q23.2.
Variant type: single nucleotide variant.
Coding change: c.384G>A on transcript NM_000277.3 (MANE Select); coding-DNA position 384, G replaced by A.
Protein change: p.Leu128=; no amino-acid change (leucine 128 retained).
Molecular consequence: synonymous variant.
Genome position (GRCh38, 1-based): chr12:102,877,519, C>T on the plus strand (G>A on the coding strand, the complement: PAH is on the minus strand). VCF-style: chr12-102877519-C-T. GRCh37 (hg19) VCF-style: chr12-103271297-C-T.
Other names: c.384G>A, p.Leu128= (NM_001354304.2).
Identifiers: ClinVar variation 2754219 (VCV002754219.3), dbSNP rs879012174, ClinGen allele CA481332695.
Genomic context (GRCh38, chr12:102,877,519, plus strand): 5'-CACAGGGTGGTCAGCATCCAGTTCCGCTCCATAGCTGAGAATCTGATTGGCAAATCTGTC[C>T]AGCTCTTGAATGGTTCTTGGGAACCAGGGCACTGAAACACAGAGAAGGCAACGTCCTGAG-3'
Protein context (NP_000268.1, residues 118-138): VPWFPRTIQE[Leu128=]DRFANQILSY

ClinVar aggregate classification (germline): Uncertain significance (1 of 4 stars; one submission).

Conditions:
Phenylketonuria (PKU). Also called: Phenylketonurias; FOLLING DISEASE; OLIGOPHRENIA PHENYLPYRUVICA; Phenylketonuria (PKU). Identifiers: Orphanet 716, MedGen C0031485, MONDO:0009861, OMIM 261600. Disease mechanism: loss of function.

gnomAD v4.1: 2 of 1,614,064 alleles (0.00012%); highest among the groups gnomAD compares: South Asian, 0.0022%; no homozygotes.

Submission:

Labcorp Genetics (formerly Invitae), Labcorp
Classification: Uncertain significance for Phenylketonuria. Last evaluated: 2024-01-02. Review status: criteria provided, single submitter. Criteria: Invitae Variant Classification Sherloc (09022015). Collection method: clinical testing. Allele origin: germline.
Comment: This sequence change affects codon 128 of the PAH mRNA. It is a 'silent' change, meaning that it does not change the encoded amino acid sequence of the PAH protein. This variant is present in population databases (no rsID available, gnomAD 0.003%). This variant has been observed in individual(s) with hyperphenylalaninemia (Invitae). In at least one individual the data is consistent with being in trans (on the opposite chromosome) from a pathogenic variant. Algorithms developed to predict the effect of sequence changes on RNA splicing suggest that this variant is not likely to affect RNA splicing. In summary, the available evidence is currently insufficient to determine the role of this variant in disease. Therefore, it has been classified as a Variant of Uncertain Significance.